The following is an entry in ClinVar:

NM_000138.5(FBN1):c.6751T>C (p.Cys2251Arg)

Gene: FBN1 (fibrillin 1; minus strand). Cytogenetic location: 15q21.1.
Variant type: single nucleotide variant.
Coding change: c.6751T>C on transcript NM_000138.5 (MANE Select); coding-DNA position 6751, T replaced by C.
Protein change: p.Cys2251Arg; replaces cysteine 2251 with arginine.
Molecular consequence: missense variant.
Genome position (GRCh38, 1-based): chr15:48,430,791, A>G on the plus strand (T>C on the coding strand, the complement: FBN1 is on the minus strand). VCF-style: chr15-48430791-A-G. GRCh37 (hg19) VCF-style: chr15-48722988-A-G.
Other names: short protein forms C2251R.
Identifiers: ClinVar variation 573034 (VCV000573034.13), dbSNP rs112836174, ClinGen allele CA269522660.

ClinVar aggregate classification (germline): Pathogenic/Likely pathogenic. Review status: criteria provided, multiple submitters, no conflicts (2 of 4 stars). 4 submissions from 4 submitters: Pathogenic (1); Likely pathogenic (3). Last evaluated 2024-03-14.

Conditions:
Familial thoracic aortic aneurysm and aortic dissection (TAAD). Also called: Thoracic aortic aneurysms and dissections. Identifiers: Orphanet 91387, MedGen C4707243, MONDO:0019625.
Marfan syndrome (MFS). Also called: FBN1-Related Marfan Syndrome; Marfan syndrome type 1; Marfan's syndrome; Marfan syndrome, classic; MARFAN SYNDROME, TYPE I. Identifiers: Orphanet 284963, Orphanet 558, MedGen C0024796, MONDO:0007947, OMIM 154700.
Isolated thoracic aortic aneurysm.

Submissions (4):

Illumina Laboratory Services, Illumina
Classification: Likely pathogenic for Familial thoracic aortic aneurysm and aortic dissection. Last evaluated: 2024-03-14. Review status: criteria provided, single submitter. Criteria: ICSLVariantClassificationCriteria RUGD 01 April 2020. Collection method: clinical testing. Allele origin: unknown.
Comment: The FBN1 c.6751T>C p.(Cys2251Arg) missense variant has been identified in individuals with an aortic aneurysms and/or aortic dissections and has been shown to segregate with Marfan syndrome-related phenotypes in one family (PMID: 12402346; 35154271). This variant is not observed in version 2.1.1 or version 4.0.0 of the Genome Aggregation Database. The variant is located in a known EGF-like domain where cysteine residues are considered to be clinically significant (ClinGen FBN1 Expert Panel, Version 1). Multiple lines of computational evidence suggest the variant may impact the gene or gene product. Based on the available evidence, the c.6751T>C p.(Cys2251Arg) variant is classified as likely pathogenic for familial thoracic aortic aneurysm and aortic dissection.

CHEO Genetics Diagnostic Laboratory, Children's Hospital of Eastern Ontario
Classification: Likely pathogenic for Familial thoracic aortic aneurysm and aortic dissection. Last evaluated: 2023-03-29. Review status: criteria provided, single submitter. Criteria: ACMG Guidelines, 2015. Collection method: clinical testing. Allele origin: germline.

Department of Vascular Biology, Beijing Anzhen Hospital
Classification: Likely pathogenic for Isolated thoracic aortic aneurysm. Last evaluated: 2018-09-01. Review status: criteria provided, single submitter. Criteria: ACMG Guidelines, 2015. Collection method: research. Allele origin: germline. Affected: yes.

Labcorp Genetics (formerly Invitae), Labcorp
Classification: Pathogenic for Marfan syndrome; Familial thoracic aortic aneurysm and aortic dissection. Last evaluated: 2018-06-21. Review status: criteria provided, single submitter. Criteria: Invitae Variant Classification Sherloc (09022015). Collection method: clinical testing. Allele origin: germline.
Comment: This sequence change replaces cysteine with arginine at codon 2251 of the FBN1 protein (p.Cys2251Arg). The cysteine residue is highly conserved and there is a large physicochemical difference between cysteine and arginine. This variant is not present in population databases (ExAC no frequency). This variant has been observed in several individuals affected with Marfan syndrome (PMID: 12402346, Invitae). For these reasons, this variant has been classified as Pathogenic. This variant affects a cysteine residue in FBN1. Cysteine residues are believed to be involved in intramolecular disulfide bridges and have been shown to be important for FBN1 protein structure (PMID: 16905551, 19349279). In addition, missense substitutions affecting cysteine residues are significantly overrepresented among patients with Marfan syndrome (PMID: 16571647, 17701892).

Literature cited by the submitters: PubMed 12402346 (cited by Illumina Laboratory Services, Illumina and Labcorp Genetics (formerly Invitae), Labcorp); PubMed 35154271 (cited by Illumina Laboratory Services, Illumina); PubMed 16905551 (cited by Labcorp Genetics (formerly Invitae), Labcorp); PubMed 19349279 (cited by Labcorp Genetics (formerly Invitae), Labcorp); PubMed 16571647 (cited by Labcorp Genetics (formerly Invitae), Labcorp); PubMed 17701892 (cited by Labcorp Genetics (formerly Invitae), Labcorp).